The following is an entry in ClinVar:

NM_007294.4(BRCA1):c.5467+23T>G

Gene: BRCA1 (BRCA1 DNA repair associated; minus strand). Cytogenetic location: 17q21.31.
Variant type: single nucleotide variant.
Coding change: c.5467+23T>G on transcript NM_007294.4 (MANE Select); 23 bases into the intron after coding-DNA position 5467, T replaced by G.
Molecular consequence: intron variant.
Genome position (GRCh38, 1-based): chr17:43,047,620, A>C on the plus strand (T>G on the coding strand, the complement: BRCA1 is on the minus strand). VCF-style: chr17-43047620-A-C. GRCh37 (hg19) VCF-style: chr17-41199637-A-C.
Other names: c.2014+23T>G (NM_001408458.1, NM_001408461.1, NM_001408464.1 and 7 more transcripts); c.4576+23T>G (NM_001407967.1); c.5086+23T>G (NM_001407959.1); c.5200+23T>G (NM_001407931.1, NM_001407932.1, NM_001407928.1 and 4 more transcripts); c.5323+23T>G (NM_001407747.1, NM_001407745.1, NM_001407737.1 and 18 more transcripts); c.5083+23T>G (NM_001407962.1, NM_001407960.1); c.1654+23T>G (NM_001408512.1); c.1777+23T>G (NM_001408510.1); and 83 more.
Identifiers: ClinVar variation 868950 (VCV000868950.3), dbSNP rs2050970930, ClinGen allele CA916080725.

Conditions:
Breast-ovarian cancer, familial, susceptibility to, 1 (BROVCA1). Also called: BRCA1 Hereditary Breast and Ovarian Cancer; OVARIAN CANCER, SUSCEPTIBILITY TO. Identifiers: Orphanet 145, MedGen C2676676, MONDO:0011450, OMIM 604370. Disease mechanism: loss of function.

Submission:

Brotman Baty Institute, University of Washington
No classification provided (evidence only). Condition: Breast-ovarian cancer, familial 1. Review status: no classification provided. Collection method: in vitro. Allele origin: not applicable. Functional consequence: functionally_normal.
ClinVar note: "not provided" was previously submitted as the classification for the variant. However, the classification appeared to be based only on an observation of functional data so it was converted to no classification on 2025-07-30.